The following is an entry in ClinVar:

ClinVar aggregate classification (germline): Uncertain significance (1 of 4 stars; one submission).

Conditions:
Spastic paraplegia. Identifiers: MedGen C0037772, HP:0001258.

gnomAD v4.1: 1 of 1,610,608 alleles (0.000062%); highest among the groups gnomAD compares: Non-Finnish European, 0.000085%; no homozygotes.

Submission:

Labcorp Genetics (formerly Invitae), Labcorp
Classification: Uncertain significance for Spastic paraplegia. Last evaluated: 2019-04-26. Review status: criteria provided, single submitter. Criteria: Invitae Variant Classification Sherloc (09022015). Collection method: clinical testing. Allele origin: germline.
Comment: This sequence change replaces threonine with isoleucine at codon 407 of the AP4E1 protein (p.Thr407Ile). The threonine residue is moderately conserved and there is a moderate physicochemical difference between threonine and isoleucine. This variant is not present in population databases (ExAC no frequency). This variant has not been reported in the literature in individuals with AP4E1-related conditions. Algorithms developed to predict the effect of missense changes on protein structure and function output the following: SIFT: "Tolerated"; PolyPhen-2: "Benign"; Align-GVGD: "Class C0". The isoleucine amino acid residue is found in multiple mammalian species, suggesting that this missense change does not adversely affect protein function. These predictions have not been confirmed by published functional studies and their clinical significance is uncertain. In summary, the available evidence is currently insufficient to determine the role of this variant in disease. Therefore, it has been classified as a Variant of Uncertain Significance.

NM_007347.5(AP4E1):c.1220C>T (p.Thr407Ile)

Gene: AP4E1 (adaptor related protein complex 4 subunit epsilon 1; plus strand). Cytogenetic location: 15q21.2.
Variant type: single nucleotide variant.
Coding change: c.1220C>T on transcript NM_007347.5 (MANE Select); coding-DNA position 1220, C replaced by T.
Protein change: p.Thr407Ile; replaces threonine 407 with isoleucine.
Molecular consequence: missense variant.
Genome position (GRCh38, 1-based): chr15:50,948,063, C>T. VCF-style: chr15-50948063-C-T. GRCh37 (hg19) VCF-style: chr15-51240260-C-T.
Other names: c.995C>T, p.Thr332Ile (NM_001252127.2); short protein forms T332I, T407I.
Identifiers: ClinVar variation 951644 (VCV000951644.9), dbSNP rs2064087079, ClinGen allele CA392417181.